The following is an entry in ClinVar:

ClinVar aggregate classification (germline): Likely pathogenic (1 of 4 stars; one submission).

Conditions:
Cardiovascular phenotype. Identifiers: MedGen CN230736.

Submission:

Ambry Genetics
Classification: Likely pathogenic for Cardiovascular phenotype. Last evaluated: 2025-10-23. Review status: criteria provided, single submitter. Criteria: Ambry Variant Classification Scheme 2023. Collection method: clinical testing. Allele origin: germline.
Comment: The c.3432G>C variant (also known as p.Q1144H), located in coding exon 25 of the DMD gene, results from a G to C substitution at nucleotide position 3432. The amino acid change results in glutamine to histidine at codon 1144, an amino acid with highly similar properties. However, this change occurs in the last base pair of coding exon 25, which makes it likely to have some effect on normal mRNA splicing. This variant was reported in individual(s) with features consistent with DMD-related dystrophinopathy (Wei X et al. Eur J Hum Genet, 2014 Jan;22:110-8; Ambry internal data). Other variant(s) impacting the same donor site (c.3432G>T (p.Q1144H), c.3432G>A (p.Q1144Q)) have been identified in individual(s) with features consistent with DMD-related dystrophinopathy (Wei X et al. Eur J Hum Genet, 2014 Jan;22:110-8; Sedl&aacute;ckov&aacute; J et al. Neuromuscul Disord, 2009 Nov;19:749-53). This variant is considered to be rare based on population cohorts in the Genome Aggregation Database (gnomAD). This nucleotide position is highly conserved in available vertebrate species. This amino acid position is highly conserved in available vertebrate species. In silico splice site analysis predicts that this alteration will weaken the native splice donor site. In addition, as a missense substitution this is predicted to be inconclusive by in silico analysis. Based on the majority of available evidence to date, this variant is likely to be pathogenic.

Literature cited by the submitters: PubMed 23756440.

NM_004006.3(DMD):c.3432G>C (p.Gln1144His)

Gene: DMD (dystrophin; minus strand). Cytogenetic location: Xp21.1.
Variant type: single nucleotide variant.
Coding change: c.3432G>C on transcript NM_004006.3 (MANE Select); coding-DNA position 3432, G replaced by C.
Protein change: p.Gln1144His; replaces glutamine 1144 with histidine.
Molecular consequence: missense variant.
Genome position (GRCh38, 1-based): chrX:32,463,439, C>G on the plus strand (G>C on the coding strand, the complement: DMD is on the minus strand). VCF-style: chrX-32463439-C-G. GRCh37 (hg19) VCF-style: chrX-32481556-C-G.
Other names: c.3408G>C, p.Gln1136His (NM_000109.4); c.3420G>C, p.Gln1140His (NM_004009.3); c.3063G>C, p.Gln1021His (NM_004010.3); short protein forms Q1140H, Q1021H, Q1136H, Q1144H.
Identifiers: ClinVar variation 4241393 (VCV004241393.2).